The following is an entry in ClinVar:

ClinVar aggregate classification (germline): Likely pathogenic (1 of 4 stars; one submission).

Conditions:
Osteogenesis imperfecta type I (OI1). Also called: Lobstein's Disease; Classic Non-deforming Osteogenesis Imperfecta with Blue Sclerae; Lobstein disease; OI, TYPE I; OSTEOGENESIS IMPERFECTA TARDA; OSTEOGENESIS IMPERFECTA WITH BLUE SCLERAE. Identifiers: Orphanet 216796, Orphanet 666, MedGen C0023931, MONDO:0008146, OMIM 166200. Disease mechanism: loss of function.

Submission:

Labcorp Genetics (formerly Invitae), Labcorp
Classification: Likely pathogenic for Osteogenesis imperfecta type I. Last evaluated: 2023-06-22. Review status: criteria provided, single submitter. Criteria: Invitae Variant Classification Sherloc (09022015). Collection method: clinical testing. Allele origin: germline.
Comment: This sequence change affects a splice site in intron 28 of the COL1A1 gene. It is expected to disrupt RNA splicing. Variants that disrupt the donor or acceptor splice site typically lead to a loss of protein function (PMID: 16199547), and loss-of-function variants in COL1A1 are known to be pathogenic (PMID: 7942841, 9295084, 9443882). This variant is not present in population databases (gnomAD no frequency). Disruption of this splice site has been observed in individual(s) with clinical features of osteogenesis imperfecta (Invitae). Algorithms developed to predict the effect of sequence changes on RNA splicing suggest that this variant may disrupt the consensus splice site. In summary, the currently available evidence indicates that the variant is pathogenic, but additional data are needed to prove that conclusively. Therefore, this variant has been classified as Likely Pathogenic.

Literature cited by the submitters: PubMed 16199547; PubMed 7942841; PubMed 9295084; PubMed 9443882.

NM_000088.4(COL1A1):c.1929+1_1929+6del

Gene: COL1A1 (collagen type I alpha 1 chain; minus strand). Cytogenetic location: 17q21.33.
Variant type: Deletion.
Coding change: c.1929+1_1929+6del on transcript NM_000088.4 (MANE Select); the canonical splice donor site of the intron after coding-DNA position 1929 through 6 bases into the intron after coding-DNA position 1929, 6 bases deleted (GTGAGG; older notation c.1929+1_1929+6delGTGAGG).
Molecular consequence: splice donor variant.
Genome position (GRCh38, 1-based): chr17:50,192,634-50,192,639, CCTCAC deleted on the plus strand (GTGAGG on the coding strand, the reverse complement: COL1A1 is on the minus strand); deleting any 6 consecutive bases within chr17:50,192,634-50,192,640 gives the same sequence; the c. name uses the placement nearest the transcript's 3' end. VCF-style (leftmost placement, unchanged base first): chr17-50192633-GCCTCAC-G. GRCh37 (hg19) VCF-style: chr17-48269994-GCCTCAC-G.
Identifiers: ClinVar variation 2724184 (VCV002724184.3), dbSNP rs2509206593, ClinGen allele CA2697560404.